The following is an entry in ClinVar:

NM_001184880.2(PCDH19):c.1342G>T (p.Asp448Tyr)

Gene: PCDH19 (protocadherin 19; minus strand). Cytogenetic location: Xq22.1.
Variant type: single nucleotide variant.
Coding change: c.1342G>T on transcript NM_001184880.2 (MANE Select); coding-DNA position 1342, G replaced by T.
Protein change: p.Asp448Tyr; replaces aspartic acid 448 with tyrosine.
Molecular consequence: missense variant.
Genome position (GRCh38, 1-based): chrX:100,407,256, C>A on the plus strand (G>T on the coding strand, the complement: PCDH19 is on the minus strand). VCF-style: chrX-100407256-C-A. GRCh37 (hg19) VCF-style: chrX-99662254-C-A.
Other names: c.1342G>T, p.Asp448Tyr (NM_001105243.2, NM_020766.3); short protein forms D448Y.
Identifiers: ClinVar variation 576123 (VCV000576123.12), dbSNP rs1569314809, ClinGen allele CA414002936.

ClinVar aggregate classification (germline): Conflicting classifications of pathogenicity. Review status: criteria provided, conflicting classifications (1 of 4 stars). 2 submissions from 2 submitters: Likely pathogenic (1); Uncertain significance (1). Last evaluated 2018-10-18.

Conditions:
Inborn genetic diseases. Identifiers: MedGen C0950123, MeSH D030342.
Developmental and epileptic encephalopathy, 9 (DEE9). Also called: Early infantile epileptic encephalopathy 9; JUBERG-HELLMAN SYNDROME; EPILEPSY, FEMALE-RESTRICTED, WITH MENTAL RETARDATION; PCDH19-Related X-Linked Female-Limited Epilepsy with Mental Retardation. Identifiers: Orphanet 101039, Orphanet 2076, MedGen C1848137, MONDO:0010246, OMIM 300088. Disease mechanism: loss of function.

Submissions (2):

Labcorp Genetics (formerly Invitae), Labcorp
Classification: Likely pathogenic for Developmental and epileptic encephalopathy, 9. Last evaluated: 2018-10-18. Review status: criteria provided, single submitter. Criteria: Invitae Variant Classification Sherloc (09022015). Collection method: clinical testing. Allele origin: germline.
Comment: In summary, the currently available evidence indicates that the variant is pathogenic, but additional data are needed to prove that conclusively. Therefore, this variant has been classified as Likely Pathogenic. Algorithms developed to predict the effect of missense changes on protein structure and function (SIFT, PolyPhen-2, Align-GVGD) all suggest that this variant is likely to be disruptive, but these predictions have not been confirmed by published functional studies and their clinical significance is uncertain. This variant has been observed to be de novo in an individual with focal epilepsy and minor speech delay (Invitae). This variant is not present in population databases (ExAC no frequency). This sequence change replaces aspartic acid with tyrosine at codon 448 of the PCDH19 protein (p.Asp448Tyr). The aspartic acid residue is highly conserved and there is a large physicochemical difference between aspartic acid and tyrosine.

Ambry Genetics
Classification: Uncertain significance for Inborn genetic diseases. Last evaluated: 2018-01-17. Review status: criteria provided, single submitter. Criteria: Ambry Variant Classification Scheme 2023. Collection method: clinical testing. Allele origin: germline.
Comment: The p.D448Y variant (also known as c.1342G>T), located in coding exon 1 of the PCDH19 gene, results from a G to T substitution at nucleotide position 1342. The aspartic acid at codon 448 is replaced by tyrosine, an amino acid with highly dissimilar properties. This amino acid position is highly conserved in available vertebrate species. In addition, this alteration is predicted to be deleterious by in silico analysis. Since supporting evidence is limited at this time, the clinical significance of this alteration remains unclear.